The following is an entry in ClinVar:

NM_032833.5(PPP1R15B):c.511G>A (p.Ala171Thr)

Gene: PPP1R15B (protein phosphatase 1 regulatory subunit 15B; minus strand). Cytogenetic location: 1q32.1.
Variant type: single nucleotide variant.
Coding change: c.511G>A on transcript NM_032833.5 (MANE Select); coding-DNA position 511, G replaced by A.
Protein change: p.Ala171Thr; replaces alanine 171 with threonine.
Molecular consequence: missense variant.
Genome position (GRCh38, 1-based): chr1:204,410,901, C>T on the plus strand (G>A on the coding strand, the complement: PPP1R15B is on the minus strand). VCF-style: chr1-204410901-C-T. GRCh37 (hg19) VCF-style: chr1-204380029-C-T.
Other names: short protein forms A171T.
Identifiers: ClinVar variation 2575690 (VCV002575690.1), dbSNP rs2526509868, ClinGen allele CA344355678.

ClinVar aggregate classification (germline): Uncertain significance (1 of 4 stars; one submission).

Allele frequency attached by ClinVar (database versions not stated): gnomAD exomes below 0.00001.

Submission:

GeneDx
Classification: Uncertain significance. Last evaluated: 2023-02-13. Review status: criteria provided, single submitter. Criteria: GeneDx Variant Classification Process June 2021. Collection method: clinical testing. Allele origin: germline. Affected: yes.
Comment: Not observed at significant frequency in large population cohorts (gnomAD); In silico analysis supports that this missense variant does not alter protein structure/function; Has not been previously published as pathogenic or benign to our knowledge